The following is an entry in ClinVar:

ClinVar aggregate classification (germline): Conflicting classifications of pathogenicity. Review status: criteria provided, conflicting classifications (1 of 4 stars). 6 submissions from 6 submitters: Uncertain significance (4); Likely benign (2). Last evaluated 2026-03-27.

Conditions:
Cardiovascular phenotype. Identifiers: MedGen CN230736.
Autosomal recessive limb-girdle muscular dystrophy type 2J (LGMDR10). Also called: MUSCULAR DYSTROPHY, LIMB-GIRDLE, AUTOSOMAL RECESSIVE 10; Limb-girdle muscular dystrophy, type 2J. Identifiers: Orphanet 140922, MedGen C1837342, MONDO:0012127, OMIM 608807.
Dilated cardiomyopathy 1G (CMD1G). Identifiers: Orphanet 154, MedGen C1858763, MONDO:0011400, OMIM 604145.

Allele frequency attached by ClinVar (database versions not stated): gnomAD 0.00001 and 0.00002; 1000 Genomes Project 30x 0.00016; ExAC 0.00007; gnomAD exomes 0.00003 and 0.00007; TOPMed 0.00005; 1000 Genomes Project 0.00020.
gnomAD v4.1: 45 of 1,603,694 alleles (0.0028%); highest among the groups gnomAD compares: Middle Eastern, 0.033%; no homozygotes.

Submissions (6):

Molecular Diagnostic Laboratory for Inherited Cardiovascular Disease, Montreal Heart Institute
Classification: Likely benign. Last evaluated: 2026-03-27. Review status: criteria provided, single submitter. Criteria: ACMG Guidelines, 2015. Collection method: clinical testing. Allele origin: germline. Affected: no.
Comment: BP1

Revvity Omics, Revvity
Classification: Uncertain significance. Last evaluated: 2024-11-20. Review status: criteria provided, single submitter. Criteria: ACMG Guidelines, 2015. Collection method: clinical testing. Allele origin: germline.

GeneDx
Classification: Likely benign. Last evaluated: 2019-09-27. Review status: criteria provided, single submitter. Criteria: GeneDx Variant Classification (06012015). Collection method: clinical testing. Allele origin: germline. Affected: yes.

Ambry Genetics
Classification: Uncertain significance for Cardiovascular phenotype. Last evaluated: 2019-06-24. Review status: criteria provided, single submitter. Criteria: Ambry Variant Classification Scheme 2023. Collection method: clinical testing. Allele origin: germline.
Comment: The p.R10222H variant (also known as c.30665G>A), located in coding exon 123 of the TTN gene, results from a G to A substitution at nucleotide position 30665. The arginine at codon 10222 is replaced by histidine, an amino acid with highly similar properties. This amino acid position is highly conserved in available vertebrate species. In addition, this alteration is predicted to be tolerated by in silico analysis. Since supporting evidence is limited at this time, the clinical significance of this variant remains unclear.

Labcorp Genetics (formerly Invitae), Labcorp
Classification: Uncertain significance for Dilated cardiomyopathy 1G; Autosomal recessive limb-girdle muscular dystrophy type 2J. Last evaluated: 2017-10-24. Review status: criteria provided, single submitter. Criteria: Invitae Variant Classification Sherloc (09022015). Collection method: clinical testing. Allele origin: germline.

Laboratory for Molecular Medicine, Mass General Brigham Personalized Medicine
Classification: Uncertain significance. Last evaluated: 2017-01-20. Review status: criteria provided, single submitter. Criteria: LMM Criteria. Collection method: clinical testing. Allele origin: germline. Observed: 1 variant allele.
Comment: The p.Arg16719His variant in TTN has not been previously reported in individuals with cardiomyopathy, but has been identified in 3/11432 Latino chromosomes by t he Exome Aggregation Consortium (ExAC; dbSNP rs3 71422299). This variant has been reported in ClinVar (Variant ID: 264456). Compu tational prediction tools and conservation analysis suggest that the p.Arg16719H is variant may impact the protein, though this information is not predictive eno ugh to determine pathogenicity. In summary, the clinical significance of the p.A rg16719His variant is uncertain.

NM_001267550.2(TTN):c.57860G>A (p.Arg19287His)

Genes: TTN (titin; minus strand), TTN-AS1 (TTN antisense RNA 1; plus strand). Cytogenetic location: 2q31.2.
Variant type: single nucleotide variant.
Coding change: c.57860G>A on transcript NM_001267550.2 (MANE Select); coding-DNA position 57860, G replaced by A.
Protein change: p.Arg19287His; replaces arginine 19287 with histidine.
Molecular consequence: missense variant.
Genome position (GRCh38, 1-based): chr2:178,594,634, C>T on the plus strand (G>A on the coding strand, the complement: TTN is on the minus strand). VCF-style: chr2-178594634-C-T. GRCh37 (hg19) VCF-style: chr2-179459361-C-T.
Other names: c.52937G>A, p.Arg17646His (NM_001256850.1); c.30665G>A, p.Arg10222His (NM_003319.4); c.50156G>A, p.Arg16719His (NM_133378.4); c.31040G>A, p.Arg10347His (NM_133432.3); c.31241G>A, p.Arg10414His (NM_133437.4); short protein forms R10222H, R19287H, R16719H, R10414H, R17646H, R10347H.
Identifiers: ClinVar variation 264456 (VCV000264456.14), dbSNP rs371422299, ClinGen allele CA1992970.